The following is an entry in ClinVar:

ClinVar aggregate classification (germline): Uncertain significance. Review status: criteria provided, multiple submitters, no conflicts (2 of 4 stars). 4 submissions from 4 submitters: Uncertain significance (4). Last evaluated 2025-02-19.

Conditions:
Familial adenomatous polyposis 1 (FAP1). Also called: FAMILIAL ADENOMATOUS POLYPOSIS 1, ATTENUATED; POLYPOSIS, ADENOMATOUS INTESTINAL. Identifiers: MedGen C2713442, MONDO:0021056, OMIM 175100. Disease mechanism: loss of function.
Hereditary cancer-predisposing syndrome. Also called: Neoplastic Syndromes, Hereditary; Tumor predisposition; Hereditary Cancer Syndrome; Hereditary neoplastic syndrome. Identifiers: Orphanet 140162, MedGen C0027672, MeSH D009386, MONDO:0015356.

Allele frequency attached by ClinVar (database versions not stated): TOPMed below 0.00001.

Submissions (4):

Labcorp Genetics (formerly Invitae), Labcorp
Classification: Uncertain significance for Familial adenomatous polyposis 1. Last evaluated: 2025-02-19. Review status: criteria provided, single submitter. Criteria: Invitae Variant Classification Sherloc (09022015). Collection method: clinical testing. Allele origin: germline.
Comment: This sequence change replaces isoleucine, which is neutral and non-polar, with serine, which is neutral and polar, at codon 858 of the APC protein (p.Ile858Ser). This variant is not present in population databases (gnomAD no frequency). This variant has not been reported in the literature in individuals affected with APC-related conditions. ClinVar contains an entry for this variant (Variation ID: 926623). Invitae Evidence Modeling of protein sequence and biophysical properties (such as structural, functional, and spatial information, amino acid conservation, physicochemical variation, residue mobility, and thermodynamic stability) indicates that this missense variant is not expected to disrupt APC protein function with a negative predictive value of 95%. In summary, the available evidence is currently insufficient to determine the role of this variant in disease. Therefore, it has been classified as a Variant of Uncertain Significance.

Ambry Genetics
Classification: Uncertain significance for Hereditary cancer-predisposing syndrome. Last evaluated: 2023-05-22. Review status: criteria provided, single submitter. Criteria: Ambry Variant Classification Scheme 2023. Collection method: clinical testing. Allele origin: germline.
Comment: The p.I858S variant (also known as c.2573T>G), located in coding exon 15 of the APC gene, results from a T to G substitution at nucleotide position 2573. The isoleucine at codon 858 is replaced by serine, an amino acid with dissimilar properties. This amino acid position is well conserved in available vertebrate species. In addition, in silico predictors for this gene do not accurately predict pathogenicity. Since supporting evidence is limited at this time, the clinical significance of this alteration remains unclear.

GeneDx
Classification: Uncertain significance. Last evaluated: 2022-02-23. Review status: criteria provided, single submitter. Criteria: GeneDx Variant Classification Process June 2021. Collection method: clinical testing. Allele origin: germline. Affected: yes.
Comment: Not observed at significant frequency in large population cohorts (gnomAD); In silico analysis supports that this missense variant does not alter protein structure/function; Has not been previously published as pathogenic or benign to our knowledge

Color Diagnostics, LLC DBA Color Health
Classification: Uncertain significance for Hereditary cancer-predisposing syndrome. Last evaluated: 2019-11-06. Review status: criteria provided, single submitter. Criteria: ACMG Guidelines, 2015. Collection method: clinical testing. Allele origin: germline.
Comment: This missense variant replaces isoleucine with serine at codon 858 of the APC protein. Computational prediction tool suggests that this variant may not impact protein structure and function (internally defined REVEL score threshold ≤0.5, PMID: 27666373). Splice site prediction tools suggest that this variant may not impact RNA splicing. To our knowledge, functional studies have not been performed for this variant. This variant has not been reported in individuals affected with hereditary cancer in the literature. This variant has not been identified in the general population by the Genome Aggregation Database (gnomAD). The available evidence is insufficient to determine the role of this variant in disease conclusively. Therefore, this variant is classified as a Variant of Uncertain Significance.

NM_000038.6(APC):c.2573T>G (p.Ile858Ser)

Gene: APC (APC regulator of Wnt signaling pathway; plus strand). Cytogenetic location: 5q22.2.
Variant type: single nucleotide variant.
Coding change: c.2573T>G on transcript NM_000038.6 (MANE Select); coding-DNA position 2573, T replaced by G.
Protein change: p.Ile858Ser; replaces isoleucine 858 with serine.
Molecular consequence: missense variant.
Genome position (GRCh38, 1-based): chr5:112,838,167, T>G. VCF-style: chr5-112838167-T-G. GRCh37 (hg19) VCF-style: chr5-112173864-T-G.
Other names: c.2573T>G, p.Ile858Ser (NM_001127510.3, NM_001354895.2); c.2519T>G, p.Ile840Ser (NM_001127511.3); c.2627T>G, p.Ile876Ser (NM_001354896.2); c.2603T>G, p.Ile868Ser (NM_001354897.2); c.2498T>G, p.Ile833Ser (NM_001354898.2); c.2489T>G, p.Ile830Ser (NM_001354899.2); c.2450T>G, p.Ile817Ser (NM_001354900.2); c.2396T>G, p.Ile799Ser (NM_001354901.2); and 5 more; short protein forms I698S, I840S, I757S, I817S, I830S, I575S, I732S, I767S.
Identifiers: ClinVar variation 926623 (VCV000926623.7), dbSNP rs1765215022, ClinGen allele CA16026971.
Genomic context (GRCh38, chr5:112,838,167, plus strand): 5'-GAGGAAGCTTAGATAGTTCTCGTTCTGAAAAAGATAGAAGTTTGGAGAGAGAACGCGGAA[T>G]TGGTCTAGGCAACTACCATCCAGCAACAGAAAATCCAGGAACTTCTTCAAAGCGAGGTTT-3'
Protein context (NP_000029.2, residues 848-868): KDRSLERERG[Ile858Ser]GLGNYHPATE